The following continues an entry in ClinVar:

NM_000059.4(BRCA2):c.3835A>G (p.Asn1279Asp)

Gene: BRCA2. ClinVar aggregate classification (germline): Conflicting classifications of pathogenicity. Uncertain significance (8); Likely benign (3).

Submissions 11 to 15 of 15:

Fulgent Genetics
Classification: Uncertain significance for Familial cancer of breast; Medulloblastoma; Familial prostate cancer; Wilms tumor 1; Fanconi anemia complementation group D1; Breast-ovarian cancer, familial, susceptibility to, 2; Glioma susceptibility 3; Pancreatic cancer, susceptibility to, 2. Last evaluated: 2018-10-31. Review status: criteria provided, single submitter. Criteria: ACMG Guidelines, 2015. Collection method: clinical testing. Allele origin: unknown.

Counsyl
Classification: Uncertain significance for Breast-ovarian cancer, familial, susceptibility to, 2. Last evaluated: 2017-08-08. Review status: no assertion criteria provided. Collection method: clinical testing. Allele origin: unknown. Not counted in ClinVar's aggregate classification.

Sharing Clinical Reports Project (SCRP)
Classification: Uncertain significance for Breast-ovarian cancer, familial 2. Last evaluated: 2009-10-21. Review status: no assertion criteria provided. Collection method: clinical testing. Allele origin: germline. Not counted in ClinVar's aggregate classification.

Breast Cancer Information Core (BIC) (BRCA2)
Classification: Uncertain significance for Breast-ovarian cancer, familial 2. Last evaluated: 1998-07-10. Review status: no assertion criteria provided. Collection method: clinical testing. Allele origin: germline. Affected: yes. Observed: 1 variant allele. Not counted in ClinVar's aggregate classification.

Department of Pathology and Laboratory Medicine, Sinai Health System
Classification: Uncertain significance for Malignant tumor of breast. Review status: no assertion criteria provided. Collection method: clinical testing. Allele origin: unknown. Affected: yes. Observed: 1 variant allele. Study: The Canadian Open Genetics Repository (COGR). Not counted in ClinVar's aggregate classification.
Comment: The p.Asn1279Asp was identified in dbSNP (ID: rs80358626) â€šÃ„ÃºWith Uncertain significance alleleâ€šÃ„Ã¹, and in the ClinVar database where it was classified with â€šÃ„Ãºuncertainâ€šÃ„Ã¹ clinical significance by three submitters (Sharing Clinical Reports Project, derived from Myriad reports; BIC; Ambry Genetics). The variant was identified the Exome Aggregation Consortium (ExAC) database in 2 of 52506 European (Non-Finnish) individuals; this low number of observations is not is not substantive enough to determine the frequency of the variant in the general population and its relationship to disease. The variant was not identified in the literature, nor was it identified in any of the other databases searched. The variant occurs outside of the splicing consensus sequence and in silico or computational prediction software programs (SpliceSiteFinder, MaxEntScan, NNSPLICE, GeneSplicer, HumanSpliceFinder) do not predict a difference in splicing. The p.Asn1279 residue is not conserved in mammals and computational analyses (PolyPhen-2, SIFT, AlignGVGD, BLOSUM, MutationTaster) do not suggest a high likelihood of impact to the protein; however, this information is not predictive enough to rule out pathogenicity. In summary, based on the above information, the clinical significance of this variant cannot be determined with certainty at this time. This variant is classified as a variant of unknown significance.

Literature cited by the submitters: PubMed 35264596 (cited by 4 submitters); PubMed 31911673 (cited by Quest Diagnostics Nichols Institute San Juan Capistrano); PubMed 31853058 (cited by Quest Diagnostics Nichols Institute San Juan Capistrano); PubMed 25877891 (cited by Women's Health and Genetics/Laboratory Corporation of America, LabCorp).